The following is an entry in ClinVar:

NM_138711.6(PPARG):c.-8-28107G>A

Gene: PPARG (peroxisome proliferator activated receptor gamma; plus strand). Cytogenetic location: 3p25.2.
Variant type: single nucleotide variant.
Coding change: c.-8-28107G>A on transcript NM_138711.6 (MANE Select); 28107 bases into the intron before 8 bases upstream of the start codon, G replaced by A.
Molecular consequence: intron variant. On other transcripts: missense variant (3).
Genome position (GRCh38, 1-based): chr3:12,351,597, G>A. VCF-style: chr3-12351597-G-A. GRCh37 (hg19) VCF-style: chr3-12393096-G-A.
Other names: c.5G>A, p.Gly2Asp (NM_001354668.2, NM_001374265.1, NM_015869.5); c.-8-28107G>A (NM_001354666.3, NM_138712.5, NM_005037.7 and 5 more transcripts); c.-435-28107G>A (NM_001354669.2); c.-9+6703G>A (NM_001374262.3); c.-2-28107G>A (NM_001374266.1, NM_001354670.2); short protein forms G2D.
Identifiers: ClinVar variation 3682918 (VCV003682918.2).

ClinVar aggregate classification (germline): Uncertain significance (1 of 4 stars; one submission).

Submission:

Labcorp Genetics (formerly Invitae), Labcorp
Classification: Uncertain significance. Last evaluated: 2024-04-29. Review status: criteria provided, single submitter. Criteria: Invitae Variant Classification Sherloc (09022015). Collection method: clinical testing. Allele origin: germline.
Comment: This sequence change replaces glycine, which is neutral and non-polar, with aspartic acid, which is acidic and polar, at codon 2 of the PPARG protein (p.Gly2Asp). This variant is not present in population databases (gnomAD no frequency). This variant has not been reported in the literature in individuals affected with PPARG-related conditions. An algorithm developed to predict the effect of missense changes on protein structure and function (PolyPhen-2) suggests that this variant is likely to be disruptive. Algorithms developed to predict the effect of sequence changes on RNA splicing suggest that this variant may create or strengthen a splice site. In summary, the available evidence is currently insufficient to determine the role of this variant in disease. Therefore, it has been classified as a Variant of Uncertain Significance.